The following is an entry in ClinVar:

NM_005751.5(AKAP9):c.4102T>A (p.Leu1368Ile)

Gene: AKAP9 (A-kinase anchoring protein 9; plus strand). Cytogenetic location: 7q21.2.
Variant type: single nucleotide variant.
Coding change: c.4102T>A on transcript NM_005751.5 (MANE Select); coding-DNA position 4102, T replaced by A.
Protein change: p.Leu1368Ile; replaces leucine 1368 with isoleucine.
Molecular consequence: missense variant.
Genome position (GRCh38, 1-based): chr7:92,022,963, T>A. VCF-style: chr7-92022963-T-A. GRCh37 (hg19) VCF-style: chr7-91652277-T-A.
Other names: c.4102T>A, p.Leu1368Ile (NM_147185.3); short protein forms L1368I.
Identifiers: ClinVar variation 568661 (VCV000568661.8), dbSNP rs1562998566, ClinGen allele CA368127978.
Genomic context (GRCh38, chr7:92,022,963, plus strand): 5'-TCCTCTTTGCAGCAACAGTTGAAAGAAACTGAACAAAACTATGAGGCAGAGATCCACTGT[T>A]TACAGAAGAGGCTTCAAGCTGTTAGTGAGTCCACGGTTCCGCCAAGGTATTCATCTGCTT-3'
Protein context (NP_005742.4, residues 1358-1378): EQNYEAEIHC[Leu1368Ile]QKRLQAVSES

ClinVar aggregate classification (germline): Uncertain significance (1 of 4 stars; one submission).

Conditions:
Long QT syndrome (LQTS). Identifiers: MedGen C0023976, MeSH D008133, MONDO:0002442. Disease mechanism: loss of function. Inheritance: Various modes of inheritance.

Allele frequency attached by ClinVar (database versions not stated): gnomAD exomes below 0.00001.
gnomAD v4.1: 1 of 1,614,060 alleles (0.000062%); highest among the groups gnomAD compares: Non-Finnish European, 0.000085%; no homozygotes.

Submission:

Labcorp Genetics (formerly Invitae), Labcorp
Classification: Uncertain significance for Long QT syndrome. Last evaluated: 2018-05-18. Review status: criteria provided, single submitter. Criteria: Invitae Variant Classification Sherloc (09022015). Collection method: clinical testing. Allele origin: germline.
Comment: This sequence change replaces leucine with isoleucine at codon 1368 of the AKAP9 protein (p.Leu1368Ile). The leucine residue is highly conserved and there is a small physicochemical difference between leucine and isoleucine. In summary, the available evidence is currently insufficient to determine the role of this variant in disease. Therefore, it has been classified as a Variant of Uncertain Significance. Algorithms developed to predict the effect of missense changes on protein structure and function are either unavailable or do not agree on the potential impact of this missense change (SIFT: "Deleterious"; PolyPhen-2: "Probably Damaging"; Align-GVGD: "Class C0"). This variant has not been reported in the literature in individuals with AKAP9-related disease. This variant is not present in population databases (ExAC no frequency).